The following is an entry in ClinVar:

NM_001292063.2(OTOG):c.4582A>T (p.Thr1528Ser)

Gene: OTOG (otogelin; plus strand). Cytogenetic location: 11p15.1.
Variant type: single nucleotide variant.
Coding change: c.4582A>T on transcript NM_001292063.2 (MANE Select); coding-DNA position 4582, A replaced by T.
Protein change: p.Thr1528Ser; replaces threonine 1528 with serine.
Molecular consequence: missense variant.
Genome position (GRCh38, 1-based): chr11:17,609,882, A>T. VCF-style: chr11-17609882-A-T. GRCh37 (hg19) VCF-style: chr11-17631429-A-T.
Other names: c.4618A>T, p.Thr1540Ser (NM_001277269.2); short protein forms T1540S, T1528S.
Identifiers: ClinVar variation 515919 (VCV000515919.4), dbSNP rs747022159, ClinGen allele CA5905855.

ClinVar aggregate classification (germline): Uncertain significance (1 of 4 stars; one submission).

Allele frequency attached by ClinVar (database versions not stated): gnomAD exomes 0.00001 and 0.00004; TOPMed 0.00006; gnomAD 0.00008 and 0.00009; ExAC 0.00017.
gnomAD v4.1: 23 of 1,512,248 alleles (0.0015%); highest among the groups gnomAD compares: African/African-American, 0.026%; no homozygotes.

Submission:

GeneDx
Classification: Uncertain significance. Last evaluated: 2025-04-03. Review status: criteria provided, single submitter. Criteria: GeneDx Variant Classification Process June 2021. Collection method: clinical testing. Allele origin: germline. Affected: yes.
Comment: In silico analysis indicates that this missense variant does not alter protein structure/function; Has not been previously published as pathogenic or benign to our knowledge